The following is an entry in ClinVar:

ClinVar aggregate classification (germline): Uncertain significance (1 of 4 stars; one submission).

Conditions:
Nephronophthisis. Also called: Juvenile Nephronophthisis. Identifiers: Orphanet 655, MedGen C0687120, MONDO:0019005, HP:0000090.

Allele frequency attached by ClinVar (database versions not stated): gnomAD exomes below 0.00001.
gnomAD v4.1: 1 of 1,613,724 alleles (0.000062%); highest among the groups gnomAD compares: Non-Finnish European, 0.000085%; no homozygotes.

Submission:

Labcorp Genetics (formerly Invitae), Labcorp
Classification: Uncertain significance for Nephronophthisis. Last evaluated: 2022-05-08. Review status: criteria provided, single submitter. Criteria: Invitae Variant Classification Sherloc (09022015). Collection method: clinical testing. Allele origin: germline.
Comment: This variant is not present in population databases (gnomAD no frequency). This variant has not been reported in the literature in individuals affected with NPHP3-related conditions. Algorithms developed to predict the effect of missense changes on protein structure and function output the following: SIFT: "Tolerated"; PolyPhen-2: "Benign"; Align-GVGD: "Class C0". The valine amino acid residue is found in multiple mammalian species, which suggests that this missense change does not adversely affect protein function. In summary, the available evidence is currently insufficient to determine the role of this variant in disease. Therefore, it has been classified as a Variant of Uncertain Significance. This sequence change replaces leucine, which is neutral and non-polar, with valine, which is neutral and non-polar, at codon 745 of the NPHP3 protein (p.Leu745Val).

NM_153240.5(NPHP3):c.2233C>G (p.Leu745Val)

Genes: NPHP3 (nephrocystin 3; minus strand), NPHP3-ACAD11 (NPHP3-ACAD11 readthrough (NMD candidate); minus strand). Cytogenetic location: 3q22.1.
Variant type: single nucleotide variant.
Coding change: c.2233C>G on transcript NM_153240.5 (MANE Select); coding-DNA position 2233, C replaced by G.
Protein change: p.Leu745Val; replaces leucine 745 with valine.
Molecular consequence: missense variant. On other transcripts: non-coding transcript variant (1).
Genome position (GRCh38, 1-based): chr3:132,694,904, G>C on the plus strand (C>G on the coding strand, the complement: NPHP3 is on the minus strand). VCF-style: chr3-132694904-G-C. GRCh37 (hg19) VCF-style: chr3-132413748-G-C.
Other names: short protein forms L745V.
Identifiers: ClinVar variation 2135714 (VCV002135714.4), dbSNP rs1939406624, ClinGen allele CA354581775.